The following is an entry in ClinVar:

ClinVar aggregate classification (germline): Uncertain significance (1 of 4 stars; one submission).

Allele frequency attached by ClinVar (database versions not stated): TOPMed 0.00002; gnomAD exomes 0.00001; gnomAD 0.00002.
gnomAD v4.1: 30 of 1,614,084 alleles (0.0019%); highest among the groups gnomAD compares: Non-Finnish European, 0.0025%; no homozygotes.

Submission:

Labcorp Genetics (formerly Invitae), Labcorp
Classification: Uncertain significance. Last evaluated: 2022-06-27. Review status: criteria provided, single submitter. Criteria: Invitae Variant Classification Sherloc (09022015). Collection method: clinical testing. Allele origin: germline.
Comment: In summary, the available evidence is currently insufficient to determine the role of this variant in disease. Therefore, it has been classified as a Variant of Uncertain Significance. Algorithms developed to predict the effect of missense changes on protein structure and function are either unavailable or do not agree on the potential impact of this missense change (SIFT: "Deleterious"; PolyPhen-2: "Probably Damaging"; Align-GVGD: "Class C15"). ClinVar contains an entry for this variant (Variation ID: 1047484). This variant has not been reported in the literature in individuals affected with TRPM1-related conditions. This variant is present in population databases (no rsID available, gnomAD 0.002%). This sequence change replaces leucine, which is neutral and non-polar, with phenylalanine, which is neutral and non-polar, at codon 87 of the TRPM1 protein (p.Leu87Phe).

NM_001252024.2(TRPM1):c.325C>T (p.Leu109Phe)

Gene: TRPM1 (transient receptor potential cation channel subfamily M member 1; minus strand). Cytogenetic location: 15q13.3.
Variant type: single nucleotide variant.
Coding change: c.325C>T on transcript NM_001252024.2 (MANE Select); coding-DNA position 325, C replaced by T.
Protein change: p.Leu109Phe; replaces leucine 109 with phenylalanine.
Molecular consequence: missense variant.
Genome position (GRCh38, 1-based): chr15:31,068,047, G>A on the plus strand (C>T on the coding strand, the complement: TRPM1 is on the minus strand). VCF-style: chr15-31068047-G-A. GRCh37 (hg19) VCF-style: chr15-31360250-G-A.
Other names: c.376C>T, p.Leu126Phe (NM_001252020.2); c.259C>T, p.Leu87Phe (NM_002420.6); short protein forms L109F, L126F, L87F.
Identifiers: ClinVar variation 1047484 (VCV001047484.6), dbSNP rs1167275729, ClinGen allele CA391535180.